The following is an entry in ClinVar:

NM_182760.4(SUMF1):c.30_31del (p.Cys10fs)

Gene: SUMF1 (sulfatase modifying factor 1; minus strand). Cytogenetic location: 3p26.1.
Variant type: Microsatellite.
Coding change: c.30_31del on transcript NM_182760.4 (MANE Select); coding-DNA positions 30 to 31, 2 bases deleted (TG; older notation c.30_31delTG).
Protein change: p.Cys10fs; shifts the reading frame from cysteine 10.
Molecular consequence: frameshift variant.
Genome position (GRCh38, 1-based): chr3:4,467,215-4,467,216, CA deleted on the plus strand (TG on the coding strand, the reverse complement: SUMF1 is on the minus strand); deleting any 2 consecutive bases within chr3:4,467,215-4,467,221 gives the same sequence; the c. name uses the placement nearest the transcript's 3' end. VCF-style (leftmost placement, unchanged base first): chr3-4467214-CCA-C. GRCh37 (hg19) VCF-style: chr3-4508898-CCA-C.
Other names: c.30_31del, p.Cys10fs (NM_001164674.2, NM_001164675.2); short protein forms C10fs.
Identifiers: ClinVar variation 4816995 (VCV004816995.1).

ClinVar aggregate classification (germline): Likely pathogenic (1 of 4 stars; one submission).

Conditions:
Multiple sulfatase deficiency (MSD). Also called: Mucosulfatidosis; Multiple Sulfatase Deficiency Disease; Sulfatidosis, Juvenile, Austin Type. Identifiers: Orphanet 585, MedGen C0268263, MONDO:0010088, OMIM 272200.

Submission:

Natera, Inc.
Classification: Likely pathogenic for Multiple sulfatase deficiency. Last evaluated: 2024-09-14. Review status: criteria provided, single submitter. Criteria: Natera Variant Classification Schema (03/2026). Collection method: clinical testing. Allele origin: germline.
Comment: The c.30_31del variant in SUMF1 is a frameshift variant predicted to shift the reading frame beginning at codon 10 and leads to a stop codon 5 codons downstream. This variant is expected to result in nonsense mediated decay, truncation, or a dysfunctional protein product. This variant is rare in the general population with a frequency below the threshold expected for the associated phenotype(s). Given the available evidence, this variant is classified as Likely Pathogenic.